The following is an entry in ClinVar:

NM_024844.5(NUP85):c.673G>A (p.Ala225Thr)

Gene: NUP85 (nucleoporin 85; plus strand). Cytogenetic location: 17q25.1.
Variant type: single nucleotide variant.
Coding change: c.673G>A on transcript NM_024844.5 (MANE Select); coding-DNA position 673, G replaced by A.
Protein change: p.Ala225Thr; replaces alanine 225 with threonine.
Molecular consequence: missense variant. On other transcripts: intron variant (1).
Genome position (GRCh38, 1-based): chr17:75,225,178, G>A. VCF-style: chr17-75225178-G-A. GRCh37 (hg19) VCF-style: chr17-73221273-G-A.
Other names: c.673G>A (NM_024844.3); c.535G>A, p.Ala179Thr (NM_001303276.2); c.598-164G>A (NM_001330472.2); short protein forms A179T, A225T.
Identifiers: ClinVar variation 2421282 (VCV002421282.8), dbSNP rs769749610, ClinGen allele CA8758566.

ClinVar aggregate classification (germline): Conflicting classifications of pathogenicity. Review status: criteria provided, conflicting classifications (1 of 4 stars). 2 submissions from 2 submitters: Uncertain significance (1); Likely benign (1). Last evaluated 2023-05-09.

Allele frequency attached by ClinVar (database versions not stated): TOPMed 0.00001; gnomAD 0.00002; ExAC 0.00007.
gnomAD v4.1: 47 of 1,609,620 alleles (0.0029%); highest among the groups gnomAD compares: South Asian, 0.045%; no homozygotes.

Submissions (2):

Labcorp Genetics (formerly Invitae), Labcorp
Classification: Uncertain significance. Last evaluated: 2023-05-09. Review status: criteria provided, single submitter. Criteria: Invitae Variant Classification Sherloc (09022015). Collection method: clinical testing. Allele origin: germline.
Comment: ClinVar contains an entry for this variant (Variation ID: 2421282). Algorithms developed to predict the effect of missense changes on protein structure and function output the following: SIFT: "Not Available"; PolyPhen-2: "Benign"; Align-GVGD: "Not Available". The threonine amino acid residue is found in multiple mammalian species, which suggests that this missense change does not adversely affect protein function. In summary, the available evidence is currently insufficient to determine the role of this variant in disease. Therefore, it has been classified as a Variant of Uncertain Significance. This variant has not been reported in the literature in individuals affected with NUP85-related conditions. This variant is present in population databases (rs769749610, gnomAD 0.06%). This sequence change replaces alanine, which is neutral and non-polar, with threonine, which is neutral and polar, at codon 225 of the NUP85 protein (p.Ala225Thr).

Ambry Genetics
Classification: Likely benign. Last evaluated: 2023-02-07. Review status: criteria provided, single submitter. Criteria: Ambry Variant Classification Scheme 2023. Collection method: clinical testing. Allele origin: germline.